The following is an entry in ClinVar:

ClinVar aggregate classification (germline): Likely benign (0 of 4 stars; one submission).

Conditions:
ANKRD11-related disorder. Also called: ANKRD11-related condition.

Allele frequency attached by ClinVar (database versions not stated): TOPMed 0.00001; gnomAD exomes 0.00002; gnomAD 0.00003; ExAC 0.00014; 1000 Genomes Project 30x 0.00078; 1000 Genomes Project 0.00080.

Submission:

PreventionGenetics, part of Exact Sciences
Classification: Likely benign for ANKRD11-related condition. Last evaluated: 2022-01-04. Review status: no assertion criteria provided. Collection method: clinical testing. Allele origin: germline.
Comment: This variant is classified as likely benign based on ACMG/AMP sequence variant interpretation guidelines (Richards et al. 2015 PMID: 25741868, with internal and published modifications).

NM_013275.6(ANKRD11):c.7807-4G>A

Gene: ANKRD11 (ankyrin repeat domain containing 11; minus strand). Cytogenetic location: 16q24.3.
Variant type: single nucleotide variant.
Coding change: c.7807-4G>A on transcript NM_013275.6 (MANE Select); 4 bases into the intron before coding-DNA position 7807, G replaced by A.
Molecular consequence: intron variant.
Genome position (GRCh38, 1-based): chr16:89,268,667, C>T on the plus strand (G>A on the coding strand, the complement: ANKRD11 is on the minus strand). VCF-style: chr16-89268667-C-T. GRCh37 (hg19) VCF-style: chr16-89335075-C-T.
Other names: c.7807-4G>A (NM_001256183.2, NM_001256182.2).
Identifiers: ClinVar variation 3030773 (VCV003030773.2), dbSNP rs562845696, ClinGen allele CA8240985.